The following is an entry in ClinVar:

NM_004380.3(CREBBP):c.611G>T (p.Gly204Val)

Gene: CREBBP (CREB binding lysine acetyltransferase; minus strand). Cytogenetic location: 16p13.3.
Variant type: single nucleotide variant.
Coding change: c.611G>T on transcript NM_004380.3 (MANE Select); coding-DNA position 611, G replaced by T.
Protein change: p.Gly204Val; replaces glycine 204 with valine.
Molecular consequence: missense variant.
Genome position (GRCh38, 1-based): chr16:3,850,484, C>A on the plus strand (G>T on the coding strand, the complement: CREBBP is on the minus strand). VCF-style: chr16-3850484-C-A. GRCh37 (hg19) VCF-style: chr16-3900485-C-A.
Other names: c.611G>T, p.Gly204Val (NM_001079846.1); short protein forms G204V.
Identifiers: ClinVar variation 4997039 (VCV004997039.1).

ClinVar aggregate classification (germline): Uncertain significance (1 of 4 stars; one submission).

Conditions:
CREBBP-related disorder. Also called: CREBBP-related condition; CREBBP-related disorders.

Submission:

PreventionGenetics, part of Exact Sciences
Classification: Uncertain significance for CREBBP-related condition. Last evaluated: 2024-12-17. Review status: criteria provided, single submitter. Criteria: ACMG Guidelines, 2015. Collection method: clinical testing. Allele origin: germline.
Comment: The CREBBP c.611G>T variant is predicted to result in the amino acid substitution p.Gly204Val. To our knowledge, this variant has not been reported in the literature or in a large population database (gnomAD), indicating this variant is rare. At this time, the clinical significance of this variant is uncertain due to the absence of conclusive functional and genetic evidence.